The following is an entry in ClinVar:

ClinVar aggregate classification (germline): Conflicting classifications of pathogenicity. Review status: criteria provided, conflicting classifications (1 of 4 stars). 3 submissions from 3 submitters: Uncertain significance (1); Likely benign (1). 1 of the submissions does not count toward it. Last evaluated 2026-01-26.

Conditions:
Congenital ichthyosis of skin. Identifiers: MedGen C0020758.
ABCA12-related disorder. Also called: ABCA12-related condition.

Allele frequency attached by ClinVar (database versions not stated): ExAC 0.00007; gnomAD exomes 0.00011 and 0.00024; TOPMed 0.00014; gnomAD 0.00018; ESP Exome Variant Server 0.00023; 1000 Genomes Project 0.00040; 1000 Genomes Project 30x 0.00047.
gnomAD v4.1: 374 of 1,614,002 alleles (0.023%); highest among the groups gnomAD compares: African/African-American, 0.045%; no homozygotes.

Submissions (3):

Labcorp Genetics (formerly Invitae), Labcorp
Classification: Likely benign. Last evaluated: 2026-01-26. Review status: criteria provided, single submitter. Criteria: Invitae Variant Classification Sherloc (09022015). Collection method: clinical testing. Allele origin: germline.

Illumina Laboratory Services, Illumina
Classification: Uncertain significance for Congenital ichthyosis of skin. Last evaluated: 2018-01-13. Review status: criteria provided, single submitter. Criteria: ICSL Variant Classification Criteria 13 December 2019. Collection method: clinical testing. Allele origin: germline.

PreventionGenetics, part of Exact Sciences
Classification: Likely benign for ABCA12-related condition. Last evaluated: 2019-10-30. Review status: no assertion criteria provided. Collection method: clinical testing. Allele origin: germline. Not counted in ClinVar's aggregate classification.
Comment: This variant is classified as likely benign based on ACMG/AMP sequence variant interpretation guidelines (Richards et al. 2015 PMID: 25741868, with internal and published modifications).

NM_173076.3(ABCA12):c.4782C>T (p.Ala1594=)

Gene: ABCA12 (ATP binding cassette subfamily A member 12; minus strand). Cytogenetic location: 2q35.
Variant type: single nucleotide variant.
Coding change: c.4782C>T on transcript NM_173076.3 (MANE Select); coding-DNA position 4782, C replaced by T.
Protein change: p.Ala1594=; no amino-acid change (alanine 1594 retained).
Molecular consequence: synonymous variant. On other transcripts: non-coding transcript variant (1).
Genome position (GRCh38, 1-based): chr2:214,978,999, G>A on the plus strand (C>T on the coding strand, the complement: ABCA12 is on the minus strand). VCF-style: chr2-214978999-G-A. GRCh37 (hg19) VCF-style: chr2-215843723-G-A.
Other names: c.3828C>T, p.Ala1276= (NM_015657.4).
Identifiers: ClinVar variation 334241 (VCV000334241.10), dbSNP rs146990068, ClinGen allele CA2091382.